The following is an entry in ClinVar:

ClinVar aggregate classification (germline): Uncertain significance. Review status: criteria provided, multiple submitters, no conflicts (2 of 4 stars). 2 submissions from 2 submitters: Uncertain significance (2). Last evaluated 2025-02-24.

Conditions:
Inborn genetic diseases. Identifiers: MedGen C0950123, MeSH D030342.

Submissions (2):

Ambry Genetics
Classification: Uncertain significance for Inborn genetic diseases. Last evaluated: 2025-02-24. Review status: criteria provided, single submitter. Criteria: Ambry Variant Classification Scheme 2023. Collection method: clinical testing. Allele origin: germline.
Comment: The c.1142G>A (p.R381Q) alteration is located in exon 13 (coding exon 13) of the SMC3 gene. This alteration results from a G to A substitution at nucleotide position 1142, causing the arginine (R) at amino acid position 381 to be replaced by a glutamine (Q). This variant was not reported in population-based cohorts in the Genome Aggregation Database (gnomAD). This amino acid position is highly conserved in available vertebrate species. This missense alteration is located in a region that has a low rate of benign missense variation (Lek, 2016; Firth, 2009). The in silico prediction for this alteration is inconclusive. Based on insufficient or conflicting evidence, the clinical significance of this alteration remains unclear.

CeGaT Center for Human Genetics Tuebingen
Classification: Uncertain significance. Last evaluated: 2023-07-01. Review status: criteria provided, single submitter. Criteria: CeGaT Center For Human Genetics Tuebingen Variant Classification Criteria Version 2. Collection method: clinical testing. Allele origin: germline. Affected: yes. Observed: 1 variant allele.
Comment: SMC3: PM2, PP2, PP3

NM_005445.4(SMC3):c.1142G>A (p.Arg381Gln)

Gene: SMC3 (structural maintenance of chromosomes 3; plus strand). Cytogenetic location: 10q25.2.
Variant type: single nucleotide variant.
Coding change: c.1142G>A on transcript NM_005445.4 (MANE Select); coding-DNA position 1142, G replaced by A.
Protein change: p.Arg381Gln; replaces arginine 381 with glutamine.
Molecular consequence: missense variant.
Genome position (GRCh38, 1-based): chr10:110,584,233, G>A. VCF-style: chr10-110584233-G-A. GRCh37 (hg19) VCF-style: chr10-112343991-G-A.
Other names: short protein forms R381Q.
Identifiers: ClinVar variation 2640826 (VCV002640826.25), dbSNP rs2493117620, ClinGen allele CA378383137.
Genomic context (GRCh38, chr10:110,584,233, plus strand): 5'-TTTTGTGTAGATTGGCTCAAGCTACCCAGGAAAGAACGGATCTTTATGCAAAGCAGGGTC[G>A]AGGAAGCCAGTTTACATCAAAAGAAGAAAGGGATAAGTGGATTAAAAAGGAACTCAAGTC-3'
Protein context (NP_005436.1, residues 371-391): ERTDLYAKQG[Arg381Gln]GSQFTSKEER